The following is an entry in ClinVar:

ClinVar aggregate classification (germline): Pathogenic (1 of 4 stars; one submission).

Conditions:
Hereditary cancer-predisposing syndrome. Also called: Neoplastic Syndromes, Hereditary; Tumor predisposition; Hereditary neoplastic syndrome; Hereditary Cancer Syndrome. Identifiers: Orphanet 140162, MedGen C0027672, MeSH D009386, MONDO:0015356.

Submission:

Ambry Genetics
Classification: Pathogenic for Hereditary cancer-predisposing syndrome. Last evaluated: 2024-01-05. Review status: criteria provided, single submitter. Criteria: Ambry Variant Classification Scheme 2023. Collection method: clinical testing. Allele origin: germline.
Comment: The p.K630* pathogenic mutation (also known as c.1888A>T), located in coding exon 11 of the PMS2 gene, results from an A to T substitution at nucleotide position 1888. This changes the amino acid from a lysine to a stop codon within coding exon 11. This variant is considered to be rare based on population cohorts in the Genome Aggregation Database (gnomAD). This alteration is expected to result in loss of function by premature protein truncation or nonsense-mediated mRNA decay. As such, this alteration is interpreted as a disease-causing mutation.

NM_000535.7(PMS2):c.1888A>T (p.Lys630Ter)

Gene: PMS2 (PMS1 homolog 2, mismatch repair system component; minus strand). Cytogenetic location: 7p22.1.
Variant type: single nucleotide variant.
Coding change: c.1888A>T on transcript NM_000535.7 (MANE Select); coding-DNA position 1888, A replaced by T.
Protein change: p.Lys630Ter; replaces lysine 630 with a stop codon.
Molecular consequence: nonsense. On other transcripts: non-coding transcript variant (1), intron variant (1).
Genome position (GRCh38, 1-based): chr7:5,986,877, T>A on the plus strand (A>T on the coding strand, the complement: PMS2 is on the minus strand). VCF-style: chr7-5986877-T-A. GRCh37 (hg19) VCF-style: chr7-6026508-T-A.
Other names: c.1483A>T, p.Lys495Ter (NM_001018040.1, NM_001322003.2, NM_001322004.2 and 17 more transcripts); c.1732A>T, p.Lys578Ter (NM_001322006.2, NM_001406870.1); c.1570A>T, p.Lys524Ter (NM_001322007.2, NM_001322008.2, NM_001406876.1 and 2 more transcripts); c.1327A>T, p.Lys443Ter (NM_001322010.2, NM_001406906.1, NM_001406907.1); c.955A>T, p.Lys319Ter (NM_001322011.2, NM_001322012.2); c.1315A>T, p.Lys439Ter (NM_001322013.2, NM_001406909.1); c.1888A>T, p.Lys630Ter (NM_001322014.2, NM_001406871.1, NM_001406872.1); c.1579A>T, p.Lys527Ter (NM_001322015.2, NM_001406875.1, NM_001406877.1 and 5 more transcripts); and 13 more; short protein forms K319*, K373*, K439*, K443*, K459*, K472*, K475*, K495*.
Identifiers: ClinVar variation 3231990 (VCV003231990.1), dbSNP rs2128721764, ClinGen allele CA366739415.
Genomic context (GRCh38, chr7:5,986,877, plus strand): 5'-CCCTAAACTTCCTGTAATTCTGTTCCCCTTCACTTTGCTGTGCTTCATGATGTAACTGCT[T>A]TATTCGTTTAGCTAAAGAACTCATAGAAAAGTCCAGGGGCACAACTTTCTTATTAATTTT-3'